The following is an entry in ClinVar:

ClinVar aggregate classification (germline): Uncertain significance (1 of 4 stars; one submission).

Conditions:
Fanconi anemia (FA). Also called: Fanconi's anemia. Identifiers: Orphanet 84, MedGen C0015625, MeSH D005199, MONDO:0019391.

Allele frequency attached by ClinVar (database versions not stated): TOPMed below 0.00001.

Submission:

Labcorp Genetics (formerly Invitae), Labcorp
Classification: Uncertain significance for Fanconi anemia. Last evaluated: 2023-04-26. Review status: criteria provided, single submitter. Criteria: Invitae Variant Classification Sherloc (09022015). Collection method: clinical testing. Allele origin: germline.
Comment: In summary, the available evidence is currently insufficient to determine the role of this variant in disease. Therefore, it has been classified as a Variant of Uncertain Significance. Advanced modeling of protein sequence and biophysical properties (such as structural, functional, and spatial information, amino acid conservation, physicochemical variation, residue mobility, and thermodynamic stability) performed at Invitae indicates that this missense variant is expected to disrupt FANCD2 protein function. This variant has not been reported in the literature in individuals affected with FANCD2-related conditions. This variant is not present in population databases (gnomAD no frequency). This sequence change replaces leucine, which is neutral and non-polar, with valine, which is neutral and non-polar, at codon 830 of the FANCD2 protein (p.Leu830Val).

NM_001018115.3(FANCD2):c.2488T>G (p.Leu830Val)

Genes: FANCD2 (FA complementation group D2; plus strand), LOC107303338 (3p25 FANCD2 Alu-mediated recombination region; plus strand). Cytogenetic location: 3p25.3.
Variant type: single nucleotide variant.
Coding change: c.2488T>G on transcript NM_001018115.3 (MANE Select); coding-DNA position 2488, T replaced by G.
Protein change: p.Leu830Val; replaces leucine 830 with valine.
Molecular consequence: missense variant.
Genome position (GRCh38, 1-based): chr3:10,067,311, T>G. VCF-style: chr3-10067311-T-G. GRCh37 (hg19) VCF-style: chr3-10108995-T-G.
Other names: c.2488T>G, p.Leu830Val (NM_001319984.2, NM_001374254.1, NM_033084.6); c.2377T>G, p.Leu793Val (NM_001374253.1); short protein forms L793V, L830V.
Identifiers: ClinVar variation 2984167 (VCV002984167.3), dbSNP rs1283948428, ClinGen allele CA351738638.